The following is an entry in ClinVar:

NM_004612.4(TGFBR1):c.872A>G (p.Tyr291Cys)

Gene: TGFBR1 (transforming growth factor beta receptor 1; plus strand). Cytogenetic location: 9q22.33.
Variant type: single nucleotide variant.
Coding change: c.872A>G on transcript NM_004612.4 (MANE Select); coding-DNA position 872, A replaced by G.
Protein change: p.Tyr291Cys; replaces tyrosine 291 with cysteine.
Molecular consequence: missense variant. On other transcripts: non-coding transcript variant (4), intron variant (2).
Genome position (GRCh38, 1-based): chr9:99,142,602, A>G. VCF-style: chr9-99142602-A-G. GRCh37 (hg19) VCF-style: chr9-101904884-A-G.
Other names: c.641A>G, p.Tyr214Cys (NM_001130916.3, NM_001407435.1); c.884A>G, p.Tyr295Cys (NM_001306210.2); c.677A>G, p.Tyr226Cys (NM_001407418.1, NM_001407419.1, NM_001407420.1 and 1 more transcripts); c.665A>G, p.Tyr222Cys (NM_001407423.1, NM_001407424.1, NM_001407425.1 and 8 more transcripts); c.626A>G, p.Tyr209Cys (NM_001407436.1); c.164A>G, p.Tyr55Cys (NM_001407437.1); c.395A>G, p.Tyr132Cys (NM_001407438.1); c.818-2130A>G (NM_001407416.1); and 1 more; short protein forms Y132C, Y209C, Y214C, Y222C, Y226C, Y291C, Y295C, Y55C.
Identifiers: ClinVar variation 3069458 (VCV003069458.1), dbSNP rs35974499, ClinGen allele CA196891562.

ClinVar aggregate classification (germline): Uncertain significance (1 of 4 stars; one submission).

Conditions:
Loeys-Dietz syndrome (LDS). Identifiers: Orphanet 60030, MedGen C2697932, MONDO:0018954.

Allele frequency attached by ClinVar (database versions not stated): gnomAD exomes below 0.00001.

Submission:

All of Us Research Program, National Institutes of Health
Classification: Uncertain significance for Loeys-Dietz syndrome. Last evaluated: 2023-03-04. Review status: criteria provided, single submitter. Criteria: ACMG Guidelines, 2015. Collection method: clinical testing. Allele origin: germline. Inheritance: Autosomal dominant inheritance. Observed: 1 variant allele, 1 heterozygote.
Comment: This study involves interpretation of variants in research participants for the purpose of population health screening. Participant phenotype was not available at the time of variant classification. Additional details can be found in publication PMID: 35346344, PMCID: PMC8962531